The following is an entry in ClinVar:

ClinVar aggregate classification (germline): Uncertain significance (1 of 4 stars; one submission).

Submission:

Ambry Genetics
Classification: Uncertain significance. Last evaluated: 2024-03-22. Review status: criteria provided, single submitter. Criteria: Ambry Variant Classification Scheme 2023. Collection method: clinical testing. Allele origin: germline.
Comment: Does not currently meet published gene-disease clinical validity criteria Based on insufficient or conflicting evidence, the clinical significance of this alteration remains unclear.

Literature cited by the submitters: PubMed 28106320.

NM_001379286.1(ZNF423):c.1198C>T (p.Arg400Trp)

Gene: ZNF423 (zinc finger protein 423; minus strand). Cytogenetic location: 16q12.1.
Variant type: single nucleotide variant.
Coding change: c.1198C>T on transcript NM_001379286.1 (MANE Select); coding-DNA position 1198, C replaced by T.
Protein change: p.Arg400Trp; replaces arginine 400 with tryptophan.
Molecular consequence: missense variant.
Genome position (GRCh38, 1-based): chr16:49,637,978, G>A on the plus strand (C>T on the coding strand, the complement: ZNF423 is on the minus strand). VCF-style: chr16-49637978-G-A. GRCh37 (hg19) VCF-style: chr16-49671889-G-A.
Other names: c.994C>T, p.Arg332Trp (NM_001271620.2); c.823C>T, p.Arg275Trp (NM_001330533.2); c.1174C>T, p.Arg392Trp (NM_015069.5); short protein forms R332W, R400W, R275W, R392W.
Identifiers: ClinVar variation 3335719 (VCV003335719.1).